The following is an entry in ClinVar:

NM_001211.6(BUB1B):c.1957C>G (p.Gln653Glu)

Gene: BUB1B (BUB1 mitotic checkpoint serine/threonine kinase B; plus strand). Cytogenetic location: 15q15.1.
Variant type: single nucleotide variant.
Coding change: c.1957C>G on transcript NM_001211.6 (MANE Select); coding-DNA position 1957, C replaced by G.
Protein change: p.Gln653Glu; replaces glutamine 653 with glutamic acid.
Molecular consequence: missense variant.
Genome position (GRCh38, 1-based): chr15:40,206,406, C>G. VCF-style: chr15-40206406-C-G. GRCh37 (hg19) VCF-style: chr15-40498607-C-G.
Other names: short protein forms Q653E.
Identifiers: ClinVar variation 2585924 (VCV002585924.2), dbSNP rs2542565087, ClinGen allele CA391692787.

ClinVar aggregate classification (germline): Uncertain significance (1 of 4 stars; one submission).

Conditions:
Inborn genetic diseases. Identifiers: MedGen C0950123, MeSH D030342.

Allele frequency attached by ClinVar (database versions not stated): gnomAD exomes below 0.00001.
gnomAD v4.1: 1 of 1,614,202 alleles (0.000062%); highest among the groups gnomAD compares: African/African-American, 0.0013%; no homozygotes.

Submission:

Ambry Genetics
Classification: Uncertain significance for Inborn genetic diseases. Last evaluated: 2023-08-03. Review status: criteria provided, single submitter. Criteria: Ambry Variant Classification Scheme 2023. Collection method: clinical testing. Allele origin: germline.
Comment: The p.Q653E variant (also known as c.1957C>G), located in coding exon 15 of the BUB1B gene, results from a C to G substitution at nucleotide position 1957. The glutamine at codon 653 is replaced by glutamic acid, an amino acid with highly similar properties. This amino acid position is conserved. In addition, this alteration is predicted to be tolerated by in silico analysis. Since supporting evidence is limited at this time, the clinical significance of this alteration remains unclear.